The following is an entry in ClinVar:

NM_001378454.1(ALMS1):c.9405T>C (p.Ser3135=)

Gene: ALMS1 (ALMS1 centrosome and basal body associated protein; plus strand). Cytogenetic location: 2p13.1.
Variant type: single nucleotide variant.
Coding change: c.9405T>C on transcript NM_001378454.1 (MANE Select); coding-DNA position 9405, T replaced by C.
Protein change: p.Ser3135=; no amino-acid change (serine 3135 retained).
Molecular consequence: synonymous variant.
Genome position (GRCh38, 1-based): chr2:73,491,364, T>C. VCF-style: chr2-73491364-T-C. GRCh37 (hg19) VCF-style: chr2-73718491-T-C.
Other names: c.9408T>C, p.Ser3136= (NM_015120.4).
Identifiers: ClinVar variation 3043021 (VCV003043021.1), dbSNP rs2466220681, ClinGen allele CA426766362.

ClinVar aggregate classification (germline): Likely benign (1 of 4 stars; one submission).

Conditions:
ALMS1-related disorder. Also called: ALMS1-related condition.

Submission:

PreventionGenetics, part of Exact Sciences
Classification: Likely benign for ALMS1-related condition. Last evaluated: 2019-06-27. Review status: criteria provided, single submitter. Criteria: ACMG Guidelines, 2015. Collection method: clinical testing. Allele origin: germline.
Comment: This variant is classified as likely benign based on ACMG/AMP sequence variant interpretation guidelines (Richards et al. 2015 PMID: 25741868, with internal and published modifications).